The following is an entry in ClinVar:

ClinVar aggregate classification (germline): Pathogenic/Likely pathogenic. Review status: criteria provided, multiple submitters, no conflicts (2 of 4 stars). 5 submissions from 5 submitters: Pathogenic (1); Likely pathogenic (4). Last evaluated 2026-04-01.

Conditions:
Propionic acidemia (PROP). Also called: GLYCINEMIA, KETOTIC; HYPERGLYCINEMIA WITH KETOACIDOSIS AND LEUKOPENIA; KETOTIC HYPERGLYCINEMIA. Identifiers: Orphanet 35, MedGen C0268579, MONDO:0011628, OMIM 606054, HP:0003571.

Allele frequency attached by ClinVar (database versions not stated): gnomAD exomes 0.00001.
gnomAD v4.1: 7 of 1,611,866 alleles (0.00043%); highest among the groups gnomAD compares: Non-Finnish European, 0.00059%; no homozygotes.

Submissions (5):

GeneDx
Classification: Likely pathogenic. Last evaluated: 2026-04-01. Review status: criteria provided, single submitter. Criteria: GeneDx Variant Classification Process June 2021. Collection method: clinical testing. Allele origin: germline.
Comment: Has been observed in patients with clinical features of propionic acidemia who harbored a second variant in PCCA but but it is not known whether the variants occurred on the same (in cis) or on different (in trans) alleles (PMID: 30274917, 31249402); Canonical splice site variant predicted to result in an in-frame loss of the adjacent exon in a gene for which loss of function is a known mechanism of disease; Not observed at significant frequency in large population cohorts (gnomAD); This variant is associated with the following publications: (PMID: 30274917, 31249402)

Greenwood Genetic Center Diagnostic Laboratories, Greenwood Genetic Center
Classification: Likely pathogenic for Propionic acidemia. Last evaluated: 2025-06-08. Review status: criteria provided, single submitter. Criteria: ACMG Guidelines, 2015. Collection method: clinical testing. Allele origin: germline. Affected: yes.
Comment: PVS1_Strong, PM2

Natera, Inc.
Classification: Likely pathogenic for Propionic acidemia. Last evaluated: 2024-06-29. Review status: criteria provided, single submitter. Criteria: Natera Variant Classification Schema (03/2026). Collection method: clinical testing. Allele origin: germline.
Comment: The c.600+1G>A variant in PCCA is a canonical splice donor site variant predicted to affect pre-mRNA splicing, which may result in an abnormal transcript and altered protein product. This variant is expected to result in nonsense mediated decay, truncation, or a dysfunctional protein product. This variant is rare in the general population with a frequency below the threshold expected for the associated phenotype(s). Given the available evidence, this variant is classified as Likely Pathogenic.

Labcorp Genetics (formerly Invitae), Labcorp
Classification: Pathogenic for Propionic acidemia. Last evaluated: 2024-04-11. Review status: criteria provided, single submitter. Criteria: Invitae Variant Classification Sherloc (09022015). Collection method: clinical testing. Allele origin: germline.
Comment: This sequence change affects a donor splice site in intron 7 of the PCCA gene. It is expected to disrupt RNA splicing. Variants that disrupt the donor or acceptor splice site typically lead to a loss of protein function (PMID: 16199547), and loss-of-function variants in PCCA are known to be pathogenic (PMID: 15464417). This variant is not present in population databases (gnomAD no frequency). Disruption of this splice site has been observed in individuals with propionic acidemia (PMID: 27227689, 30274917). ClinVar contains an entry for this variant (Variation ID: 1358281). Algorithms developed to predict the effect of sequence changes on RNA splicing suggest that this variant may disrupt the consensus splice site. For these reasons, this variant has been classified as Pathogenic.

Fulgent Genetics
Classification: Likely pathogenic for Propionic acidemia. Last evaluated: 2024-02-20. Review status: criteria provided, single submitter. Criteria: ACMG Guidelines, 2015. Collection method: clinical testing. Allele origin: germline.

Literature cited by the submitters: PubMed 16199547 (cited by Labcorp Genetics (formerly Invitae), Labcorp); PubMed 15464417 (cited by Labcorp Genetics (formerly Invitae), Labcorp); PubMed 27227689 (cited by Labcorp Genetics (formerly Invitae), Labcorp); PubMed 30274917 (cited by Labcorp Genetics (formerly Invitae), Labcorp).

NM_000282.4(PCCA):c.600+1G>A

Gene: PCCA (propionyl-CoA carboxylase subunit alpha; plus strand). Cytogenetic location: 13q32.3.
Variant type: single nucleotide variant.
Coding change: c.600+1G>A on transcript NM_000282.4 (MANE Select); the canonical splice donor site of the intron after coding-DNA position 600, G replaced by A.
Molecular consequence: splice donor variant.
Genome position (GRCh38, 1-based): chr13:100,209,464, G>A. VCF-style: chr13-100209464-G-A. GRCh37 (hg19) VCF-style: chr13-100861718-G-A.
Other names: c.522+1G>A (NM_001127692.3, NM_001352607.2, NM_001352608.2); c.600+1G>A (NM_001352609.2, NM_001178004.2, NM_001352605.2 and 2 more transcripts); c.-267+1G>A (NM_001352610.2, NM_001352611.2, NM_001352612.2).
Identifiers: ClinVar variation 1358281 (VCV001358281.13), dbSNP rs879253802, ClinGen allele CA255976845.
Genomic context (GRCh38, chr13:100,209,464, plus strand): 5'-AAATTATTAGCTAAGAAAGCAGAGGTTAATACAATCCCTGGCTTTGATGGAGTAGTCAAG[G>A]TGAGAAGCTACTTTAACTTTTATTGTATATGTCTTCAAGTTAAACATTTTGTCAAAAGTA-3'